The following is an entry in ClinVar:

NM_000038.6(APC):c.1369T>G (p.Ser457Ala)

Gene: APC (APC regulator of Wnt signaling pathway; plus strand). Cytogenetic location: 5q22.2.
Variant type: single nucleotide variant.
Coding change: c.1369T>G on transcript NM_000038.6 (MANE Select); coding-DNA position 1369, T replaced by G.
Protein change: p.Ser457Ala; replaces serine 457 with alanine.
Molecular consequence: missense variant.
Genome position (GRCh38, 1-based): chr5:112,821,952, T>G. VCF-style: chr5-112821952-T-G. GRCh37 (hg19) VCF-style: chr5-112157649-T-G.
Other names: c.1369T>G, p.Ser457Ala (NM_001127510.3, NM_001354895.2, NM_001354896.2); c.1315T>G, p.Ser439Ala (NM_001127511.3); c.1399T>G, p.Ser467Ala (NM_001354897.2); c.1294T>G, p.Ser432Ala (NM_001354898.2); c.1285T>G, p.Ser429Ala (NM_001354899.2); c.1192T>G, p.Ser398Ala (NM_001354900.2, NM_001354901.2); c.1096T>G, p.Ser366Ala (NM_001354902.2); c.1066T>G, p.Ser356Ala (NM_001354903.2); and 3 more; short protein forms S457A, S439A, S331A, S366A, S432A, S297A, S467A, S174A.
Identifiers: ClinVar variation 537463 (VCV000537463.16), dbSNP rs1554080710, ClinGen allele CA16024302.
Genomic context (GRCh38, chr5:112,821,952, plus strand): 5'-TCAGTGCCAGCTCCTGTTGAACATCAGATCTGTCCTGCTGTGTGTGTTCTAATGAAACTT[T>G]CATTTGATGAAGAGCATAGACATGCAATGAATGAACTAGGTAAGACAAAAATGTTTTTTA-3'
Protein context (NP_000029.2, residues 447-467): CPAVCVLMKL[Ser457Ala]FDEEHRHAMN

ClinVar aggregate classification (germline): Conflicting classifications of pathogenicity. Review status: criteria provided, conflicting classifications (1 of 4 stars). 3 submissions from 3 submitters: Uncertain significance (2); Likely benign (1). Last evaluated 2026-01-10.

Conditions:
Familial adenomatous polyposis 1 (FAP1). Also called: FAMILIAL ADENOMATOUS POLYPOSIS 1, ATTENUATED; POLYPOSIS, ADENOMATOUS INTESTINAL. Identifiers: MedGen C2713442, MONDO:0021056, OMIM 175100. Disease mechanism: loss of function.
Hereditary cancer-predisposing syndrome. Also called: Tumor predisposition; Hereditary Cancer Syndrome; Hereditary neoplastic syndrome; Neoplastic Syndromes, Hereditary. Identifiers: Orphanet 140162, MedGen C0027672, MeSH D009386, MONDO:0015356.

Submissions (3):

Labcorp Genetics (formerly Invitae), Labcorp
Classification: Uncertain significance for Familial adenomatous polyposis 1. Last evaluated: 2026-01-10. Review status: criteria provided, single submitter. Criteria: Invitae Variant Classification Sherloc (09022015). Collection method: clinical testing. Allele origin: germline.
Comment: This sequence change replaces serine, which is neutral and polar, with alanine, which is neutral and non-polar, at codon 457 of the APC protein (p.Ser457Ala). This variant is not present in population databases (gnomAD no frequency). This variant has not been reported in the literature in individuals affected with APC-related conditions. ClinVar contains an entry for this variant (Variation ID: 537463). Invitae Evidence Modeling of protein sequence and biophysical properties (such as structural, functional, and spatial information, amino acid conservation, physicochemical variation, residue mobility, and thermodynamic stability) indicates that this missense variant is not expected to disrupt APC protein function with a negative predictive value of 95%. In summary, the available evidence is currently insufficient to determine the role of this variant in disease. Therefore, it has been classified as a Variant of Uncertain Significance.

Ambry Genetics
Classification: Likely benign for Hereditary cancer-predisposing syndrome. Last evaluated: 2024-09-16. Review status: criteria provided, single submitter. Criteria: Ambry Variant Classification Scheme 2023. Collection method: clinical testing. Allele origin: germline.

Baylor Genetics
Classification: Uncertain significance for Familial adenomatous polyposis 1. Last evaluated: 2024-03-11. Review status: criteria provided, single submitter. Criteria: ACMG Guidelines, 2015. Collection method: clinical testing. Allele origin: unknown.